The following is an entry in ClinVar:

NM_001378609.3(OTOGL):c.2200T>G (p.Phe734Val)

Gene: OTOGL (otogelin like; plus strand). Cytogenetic location: 12q21.31.
Variant type: single nucleotide variant.
Coding change: c.2200T>G on transcript NM_001378609.3 (MANE Select); coding-DNA position 2200, T replaced by G.
Protein change: p.Phe734Val; replaces phenylalanine 734 with valine.
Molecular consequence: missense variant.
Genome position (GRCh38, 1-based): chr12:80,265,186, T>G. VCF-style: chr12-80265186-T-G. GRCh37 (hg19) VCF-style: chr12-80658966-T-G.
Other names: c.2200T>G, p.Phe734Val (NM_001368062.3, NM_001378610.3, NM_173591.7); short protein forms F734V.
Identifiers: ClinVar variation 3207248 (VCV003207248.2), dbSNP rs377113537, ClinGen allele CA6700695.
Genomic context (GRCh38, chr12:80,265,186, plus strand): 5'-CTGTGCAATGCTCTTGCCCACTATGCCTACCTCTGCGGCCAGCACGGTGTTCCCATTGAT[T>G]TCAGAACTCAGATTTCTTTCTGTGGTGAGTACAATGGCACAGATAAAGACTATCAGATAA-3'
Protein context (NP_001365538.2, residues 724-744): LCGQHGVPID[Phe734Val]RTQISFCAVV

ClinVar aggregate classification (germline): Uncertain significance. Review status: criteria provided, multiple submitters, no conflicts (2 of 4 stars). 2 submissions from 2 submitters: Uncertain significance (2). Last evaluated 2025-01-27.

Conditions:
OTOGL-related disorder. Also called: OTOGL-related condition.
Inborn genetic diseases. Identifiers: MedGen C0950123, MeSH D030342.

Allele frequency attached by ClinVar (database versions not stated): ExAC 0.00005; TOPMed 0.00011; gnomAD 0.00012; ESP Exome Variant Server 0.00016; 1000 Genomes Project 0.00040; 1000 Genomes Project 30x 0.00047.
gnomAD v4.1: 27 of 1,613,742 alleles (0.0017%); highest among the groups gnomAD compares: African/African-American, 0.035%; no homozygotes.

Submissions (2):

PreventionGenetics, part of Exact Sciences
Classification: Uncertain significance for OTOGL-related condition. Last evaluated: 2025-01-27. Review status: criteria provided, single submitter. Criteria: ACMG Guidelines, 2015. Collection method: clinical testing. Allele origin: germline.
Comment: The OTOGL c.2173T>G variant is predicted to result in the amino acid substitution p.Phe725Val. To our knowledge, this variant has not been reported in the literature. This variant is reported in 0.058% of alleles in individuals of African descent in gnomAD. Although we suspect that this variant may be benign, at this time, the clinical significance of this variant is uncertain due to the absence of conclusive functional and genetic evidence.

Ambry Genetics
Classification: Uncertain significance for Inborn genetic diseases. Last evaluated: 2023-12-16. Review status: criteria provided, single submitter. Criteria: Ambry Variant Classification Scheme 2023. Collection method: clinical testing. Allele origin: germline.